The following is an entry in ClinVar:

ClinVar aggregate classification (germline): Uncertain significance (1 of 4 stars; one submission).

Conditions:
Cardiovascular phenotype. Identifiers: MedGen CN230736.

Submission:

Ambry Genetics
Classification: Uncertain significance for Cardiovascular phenotype. Last evaluated: 2025-03-13. Review status: criteria provided, single submitter. Criteria: Ambry Variant Classification Scheme 2023. Collection method: clinical testing. Allele origin: germline.
Comment: The p.D75E variant (also known as c.225C>A), located in coding exon 2 of the LIPA gene, results from a C to A substitution at nucleotide position 225. The aspartic acid at codon 75 is replaced by glutamic acid, an amino acid with highly similar properties. This amino acid position is conserved. In addition, this alteration is predicted to be tolerated by in silico analysis. Based on the available evidence, the clinical significance of this variant remains unclear.

NM_000235.4(LIPA):c.225C>A (p.Asp75Glu)

Gene: LIPA (lipase A, lysosomal acid type; minus strand). Cytogenetic location: 10q23.31.
Variant type: single nucleotide variant.
Coding change: c.225C>A on transcript NM_000235.4 (MANE Select); coding-DNA position 225, C replaced by A.
Protein change: p.Asp75Glu; replaces aspartic acid 75 with glutamic acid.
Molecular consequence: missense variant. On other transcripts: intron variant (1).
Genome position (GRCh38, 1-based): chr10:89,245,680, G>T on the plus strand (C>A on the coding strand, the complement: LIPA is on the minus strand). VCF-style: chr10-89245680-G-T. GRCh37 (hg19) VCF-style: chr10-91005437-G-T.
Other names: c.225C>A, p.Asp75Glu (NM_001127605.3); c.-120+6057C>A (NM_001288979.2); short protein forms D75E.
Identifiers: ClinVar variation 3867315 (VCV003867315.1).